The following is an entry in ClinVar:

NM_001318777.2(TIRAP):c.558C>T (p.Ala186=)

Gene: TIRAP (TIR domain containing adaptor protein; plus strand). Cytogenetic location: 11q24.2.
Variant type: single nucleotide variant.
Coding change: c.558C>T on transcript NM_001318777.2 (MANE Select); coding-DNA position 558, C replaced by T.
Protein change: p.Ala186=; no amino-acid change (alanine 186 retained).
Molecular consequence: synonymous variant.
Genome position (GRCh38, 1-based): chr11:126,292,967, C>T. VCF-style: chr11-126292967-C-T. GRCh37 (hg19) VCF-style: chr11-126162862-C-T.
Other names: c.558C>T, p.Ala186= (NM_001039661.2, NM_001318776.2, NM_148910.3).
Identifiers: ClinVar variation 2688488 (VCV002688488.2), dbSNP rs7932766, ClinGen allele CA6354716.

ClinVar aggregate classification (germline): Benign (1 of 4 stars; one submission).

Allele frequency attached by ClinVar (database versions not stated): 1000 Genomes Project 0.13399; 1000 Genomes Project 30x 0.13632; TOPMed 0.17955; ExAC 0.18349; gnomAD 0.18657; ESP Exome Variant Server 0.20368.
gnomAD v4.1: 354,390 of 1,613,986 alleles (22%); highest among the groups gnomAD compares: Non-Finnish European, 25%; 41,685 homozygotes.

Submission:

Unidad de Genómica Garrahan, Hospital de Pediatría Garrahan
Classification: Benign. Last evaluated: 2024-01-24. Review status: criteria provided, single submitter. Criteria: ACMG Guidelines, 2015. Collection method: clinical testing. Allele origin: germline. Affected: no. Observed: 20 variant alleles.
Comment: This variant is classified as Benign based on local population frequency. This variant was detected in 23% of patients studied by a panel of primary immunodeficiencies. Number of patients: 20. Only high quality variants are reported.